The following is an entry in ClinVar:

NM_012210.4(TRIM32):c.555C>G (p.Leu185=)

Genes: ASTN2 (astrotactin 2; minus strand), TRIM32 (tripartite motif containing 32; plus strand). Cytogenetic location: 9q33.1.
Variant type: single nucleotide variant.
Coding change: c.555C>G on transcript NM_012210.4 (MANE Select); coding-DNA position 555, C replaced by G.
Protein change: p.Leu185=; no amino-acid change (leucine 185 retained).
Molecular consequence: synonymous variant. On other transcripts: intron variant (3).
Genome position (GRCh38, 1-based): chr9:116,698,297, C>G. VCF-style: chr9-116698297-C-G. GRCh37 (hg19) VCF-style: chr9-119460576-C-G.
Other names: c.555C>G, p.Leu185= (NM_001099679.2, NM_001379048.1, NM_001379049.1 and 1 more transcripts); c.2653+27474G>C (NM_014010.5); c.2794+27474G>C (NM_001365069.1); c.2806+27474G>C (NM_001365068.1).
Identifiers: ClinVar variation 1641828 (VCV001641828.9), dbSNP rs757526804, ClinGen allele CA5211003.

ClinVar aggregate classification (germline): Likely benign. Review status: criteria provided, single submitter (1 of 4 stars). 2 submissions from 2 submitters: Likely benign (1). 1 of the submissions does not count toward it. Last evaluated 2024-07-17.

Conditions:
Bardet-Biedl syndrome (BBS). Identifiers: Orphanet 110, MedGen C0752166, MONDO:0015229.
TRIM32-related disorder. Also called: TRIM32-related condition.

Allele frequency attached by ClinVar (database versions not stated): gnomAD exomes below 0.00001 and 0.00001; TOPMed 0.00001; ExAC 0.00002.
gnomAD v4.1: 3 of 1,614,118 alleles (0.00019%); highest among the groups gnomAD compares: Admixed American, 0.0033%; no homozygotes.

Submissions (2):

Labcorp Genetics (formerly Invitae), Labcorp
Classification: Likely benign for Bardet-Biedl syndrome. Last evaluated: 2024-07-17. Review status: criteria provided, single submitter. Criteria: Invitae Variant Classification Sherloc (09022015). Collection method: clinical testing. Allele origin: germline.

PreventionGenetics, part of Exact Sciences
Classification: Likely benign for TRIM32-related condition. Last evaluated: 2022-11-04. Review status: no assertion criteria provided. Collection method: clinical testing. Allele origin: germline. Not counted in ClinVar's aggregate classification.
Comment: This variant is classified as likely benign based on ACMG/AMP sequence variant interpretation guidelines (Richards et al. 2015 PMID: 25741868, with internal and published modifications).